The following is an entry in ClinVar:

ClinVar aggregate classification (germline): Uncertain significance. Review status: criteria provided, multiple submitters, no conflicts (2 of 4 stars). 2 submissions from 2 submitters: Uncertain significance (2). Last evaluated 2026-02-16.

Conditions:
Hereditary cancer-predisposing syndrome. Also called: Tumor predisposition; Hereditary neoplastic syndrome; Hereditary Cancer Syndrome; Neoplastic Syndromes, Hereditary. Identifiers: Orphanet 140162, MedGen C0027672, MeSH D009386, MONDO:0015356.

Submissions (2):

Ambry Genetics
Classification: Uncertain significance for Hereditary cancer-predisposing syndrome. Last evaluated: 2026-02-16. Review status: criteria provided, single submitter. Criteria: Ambry Variant Classification Scheme 2023. Collection method: clinical testing. Allele origin: germline.
Comment: The p.G398D variant (also known as c.1193G>A), located in coding exon 8 of the MSH3 gene, results from a G to A substitution at nucleotide position 1193. The glycine at codon 398 is replaced by aspartic acid, an amino acid with similar properties. This amino acid position is conserved. In addition, this alteration is predicted to be deleterious by in silico analysis. Based on the available evidence, the clinical significance of this variant remains unclear.

Labcorp Genetics (formerly Invitae), Labcorp
Classification: Uncertain significance. Last evaluated: 2022-08-23. Review status: criteria provided, single submitter. Criteria: Invitae Variant Classification Sherloc (09022015). Collection method: clinical testing. Allele origin: germline.
Comment: In summary, the available evidence is currently insufficient to determine the role of this variant in disease. Therefore, it has been classified as a Variant of Uncertain Significance. Algorithms developed to predict the effect of missense changes on protein structure and function (SIFT, PolyPhen-2, Align-GVGD) all suggest that this variant is likely to be disruptive. ClinVar contains an entry for this variant (Variation ID: 968347). This variant has not been reported in the literature in individuals affected with MSH3-related conditions. This variant is not present in population databases (gnomAD no frequency). This sequence change replaces glycine, which is neutral and non-polar, with aspartic acid, which is acidic and polar, at codon 398 of the MSH3 protein (p.Gly398Asp).

NM_002439.5(MSH3):c.1193G>A (p.Gly398Asp)

Gene: MSH3 (mutS homolog 3; plus strand). Cytogenetic location: 5q14.1.
Variant type: single nucleotide variant.
Coding change: c.1193G>A on transcript NM_002439.5 (MANE Select); coding-DNA position 1193, G replaced by A.
Protein change: p.Gly398Asp; replaces glycine 398 with aspartic acid.
Molecular consequence: missense variant.
Genome position (GRCh38, 1-based): chr5:80,678,946, G>A. VCF-style: chr5-80678946-G-A. GRCh37 (hg19) VCF-style: chr5-79974765-G-A.
Other names: c.1193G>A (NM_002439.3); short protein forms G398D.
Identifiers: ClinVar variation 968347 (VCV000968347.10), dbSNP rs1749902520, ClinGen allele CA360268852.